The following is an entry in ClinVar:

ClinVar aggregate classification (germline): Uncertain significance (1 of 4 stars; one submission).

gnomAD v4.1: 2 of 1,613,334 alleles (0.00012%); highest among the groups gnomAD compares: Non-Finnish European, 0.00017%; no homozygotes.

Submission:

GeneDx
Classification: Uncertain significance. Last evaluated: 2025-05-22. Review status: criteria provided, single submitter. Criteria: GeneDx Variant Classification Process June 2021. Collection method: clinical testing. Allele origin: germline. Affected: yes.
Comment: Not observed at significant frequency in large population cohorts (gnomAD); In silico analysis suggests that this missense variant does not alter protein structure/function; Has not been previously published as pathogenic or benign to our knowledge

NM_032861.4(SERAC1):c.532C>T (p.Leu178Phe)

Gene: SERAC1 (serine active site containing 1; minus strand). Cytogenetic location: 6q25.3.
Variant type: single nucleotide variant.
Coding change: c.532C>T on transcript NM_032861.4 (MANE Select); coding-DNA position 532, C replaced by T.
Protein change: p.Leu178Phe; replaces leucine 178 with phenylalanine.
Molecular consequence: missense variant. On other transcripts: non-coding transcript variant (1).
Genome position (GRCh38, 1-based): chr6:158,144,376, G>A on the plus strand (C>T on the coding strand, the complement: SERAC1 is on the minus strand). VCF-style: chr6-158144376-G-A. GRCh37 (hg19) VCF-style: chr6-158565408-G-A.
Other names: short protein forms L178F.
Identifiers: ClinVar variation 4530995 (VCV004530995.1).